The following is an entry in ClinVar:

ClinVar aggregate classification (germline): Uncertain significance. Review status: criteria provided, multiple submitters, no conflicts (2 of 4 stars). 2 submissions from 2 submitters: Uncertain significance (2). Last evaluated 2025-08-11.

Conditions:
Autosomal dominant limb-girdle muscular dystrophy type 1G (LGMDD3). Also called: MUSCULAR DYSTROPHY, LIMB-GIRDLE, AUTOSOMAL DOMINANT 3; Limb-girdle muscular dystrophy, type 1G. Identifiers: Orphanet 55596, MedGen C1836765, MONDO:0012193, OMIM 609115.

Submissions (2):

Ambry Genetics
Classification: Uncertain significance. Last evaluated: 2025-08-11. Review status: criteria provided, single submitter. Criteria: Ambry Variant Classification Scheme 2023. Collection method: clinical testing. Allele origin: germline.

Labcorp Genetics (formerly Invitae), Labcorp
Classification: Uncertain significance for Autosomal dominant limb-girdle muscular dystrophy type 1G. Last evaluated: 2025-04-20. Review status: criteria provided, single submitter. Criteria: Invitae Variant Classification Sherloc (09022015). Collection method: clinical testing. Allele origin: germline.
Comment: This sequence change replaces serine, which is neutral and polar, with alanine, which is neutral and non-polar, at codon 92 of the HNRNPDL protein (p.Ser92Ala). This variant is not present in population databases (gnomAD no frequency). This variant has not been reported in the literature in individuals affected with HNRNPDL-related conditions. An algorithm developed to predict the effect of missense changes on protein structure and function (PolyPhen-2) suggests that this variant is likely to be tolerated. In summary, the available evidence is currently insufficient to determine the role of this variant in disease. Therefore, it has been classified as a Variant of Uncertain Significance.

NM_031372.4(HNRNPDL):c.274T>G (p.Ser92Ala)

Gene: HNRNPDL (heterogeneous nuclear ribonucleoprotein D like; minus strand). Cytogenetic location: 4q21.22.
Variant type: single nucleotide variant.
Coding change: c.274T>G on transcript NM_031372.4 (MANE Select); coding-DNA position 274, T replaced by G.
Protein change: p.Ser92Ala; replaces serine 92 with alanine.
Molecular consequence: missense variant. On other transcripts: non-coding transcript variant (1).
Genome position (GRCh38, 1-based): chr4:82,429,417, A>C on the plus strand (T>G on the coding strand, the complement: HNRNPDL is on the minus strand). VCF-style: chr4-82429417-A-C. GRCh37 (hg19) VCF-style: chr4-83350570-A-C.
Other names: c.274T>G, p.Ser92Ala (NM_001207000.1); short protein forms S92A.
Identifiers: ClinVar variation 4271493 (VCV004271493.2).
Genomic context (GRCh38, chr4:82,429,417, plus strand): 5'-GGTGCTGGCGCGCAGTCCGGGTCGCGGCAGCAGCGGCGGCGGAGCGTTGTATGGAGCTGG[A>C]TTTAAAATGGCGGCGGAAGAGATCCGGGCGCCGCCTGCGCCCTCCCTTTATAGCCGCCCC-3'
Protein context (NP_112740.1, residues 82-102): RPDLFRRHFK[Ser92Ala]SSIQRSAAAA